The following is an entry in ClinVar:

ClinVar aggregate classification (germline): Likely benign. Review status: criteria provided, multiple submitters, no conflicts (2 of 4 stars). 3 submissions from 3 submitters: Likely benign (2). 1 of the submissions does not count toward it. Last evaluated 2024-01-15.

Conditions:
CCBE1-related disorder. Also called: CCBE1-related condition.

Allele frequency attached by ClinVar (database versions not stated): ExAC 0.00002; gnomAD 0.00002; TOPMed 0.00002; gnomAD exomes 0.00007.
gnomAD v4.1: 99 of 1,613,634 alleles (0.0061%); highest among the groups gnomAD compares: Non-Finnish European, 0.0081%; no homozygotes.

Submissions (3):

Blueprint Genetics
Classification: Likely benign. Last evaluated: 2024-01-15. Review status: criteria provided, single submitter. Criteria: ACMG Guidelines, 2015. Collection method: clinical testing. Allele origin: germline.

Labcorp Genetics (formerly Invitae), Labcorp
Classification: Likely benign. Last evaluated: 2023-11-19. Review status: criteria provided, single submitter. Criteria: Invitae Variant Classification Sherloc (09022015). Collection method: clinical testing. Allele origin: germline.

PreventionGenetics, part of Exact Sciences
Classification: Likely benign for CCBE1-related condition. Last evaluated: 2022-04-22. Review status: no assertion criteria provided. Collection method: clinical testing. Allele origin: germline. Not counted in ClinVar's aggregate classification.
Comment: This variant is classified as likely benign based on ACMG/AMP sequence variant interpretation guidelines (Richards et al. 2015 PMID: 25741868, with internal and published modifications).

NM_133459.4(CCBE1):c.501G>A (p.Arg167=)

Gene: CCBE1 (collagen and calcium binding EGF domains 1; minus strand). Cytogenetic location: 18q21.32.
Variant type: single nucleotide variant.
Coding change: c.501G>A on transcript NM_133459.4 (MANE Select); coding-DNA position 501, G replaced by A.
Protein change: p.Arg167=; no amino-acid change (arginine 167 retained).
Molecular consequence: synonymous variant.
Genome position (GRCh38, 1-based): chr18:59,466,791, C>T on the plus strand (G>A on the coding strand, the complement: CCBE1 is on the minus strand). VCF-style: chr18-59466791-C-T. GRCh37 (hg19) VCF-style: chr18-57134023-C-T.
Other names: c.501G>A (NM_133459.3).
Identifiers: ClinVar variation 3016744 (VCV003016744.6), dbSNP rs748435900, ClinGen allele CA8980474.
Genomic context (GRCh38, chr18:59,466,791, plus strand): 5'-CTACTTACCAGTGTCATTGGGATATTTGTCTCCCCTGGTACATGTCTTCCCATCATCTTC[C>T]CGGATGTAGCCTTCCCGGCACTCGCAGCGGTAGCTGCCCAAGGTATTGATGCAGATGTGG-3'
Protein context (NP_597716.1, residues 157-177): YRCECREGYI[Arg167=]EDDGKTCTRG